The following is an entry in ClinVar:

ClinVar aggregate classification (germline): Uncertain significance (1 of 4 stars; one submission).

Conditions:
Inborn genetic diseases. Identifiers: MedGen C0950123, MeSH D030342.

Submission:

Ambry Genetics
Classification: Uncertain significance for Inborn genetic diseases. Last evaluated: 2025-08-19. Review status: criteria provided, single submitter. Criteria: Ambry Variant Classification Scheme 2023. Collection method: clinical testing. Allele origin: germline.
Comment: The p.V339A variant (also known as c.1016T>C), located in coding exon 8 of the BMPR2 gene, results from a T to C substitution at nucleotide position 1016. The valine at codon 339 is replaced by alanine, an amino acid with similar properties. This amino acid position is conserved. In addition, this alteration is predicted to be deleterious by in silico analysis. Based on the available evidence, the clinical significance of this variant remains unclear.

NM_001204.7(BMPR2):c.1016T>C (p.Val339Ala)

Gene: BMPR2 (bone morphogenetic protein receptor type 2; plus strand). Cytogenetic location: 2q33.2.
Variant type: single nucleotide variant.
Coding change: c.1016T>C on transcript NM_001204.7 (MANE Select); coding-DNA position 1016, T replaced by C.
Protein change: p.Val339Ala; replaces valine 339 with alanine.
Molecular consequence: missense variant.
Genome position (GRCh38, 1-based): chr2:202,530,842, T>C. VCF-style: chr2-202530842-T-C. GRCh37 (hg19) VCF-style: chr2-203395565-T-C.
Other names: short protein forms V339A.
Identifiers: ClinVar variation 4214516 (VCV004214516.1).